The following is an entry in ClinVar:

NM_001379291.1(BRD4):c.1817A>C (p.Lys606Thr)

Gene: BRD4 (bromodomain containing 4; minus strand). Cytogenetic location: 19p13.12.
Variant type: single nucleotide variant.
Coding change: c.1817A>C on transcript NM_001379291.1 (MANE Select); coding-DNA position 1817, A replaced by C.
Protein change: p.Lys606Thr; replaces lysine 606 with threonine.
Molecular consequence: missense variant.
Genome position (GRCh38, 1-based): chr19:15,255,527, T>G on the plus strand (A>C on the coding strand, the complement: BRD4 is on the minus strand). VCF-style: chr19-15255527-T-G. GRCh37 (hg19) VCF-style: chr19-15366338-T-G.
Other names: c.1817A>C, p.Lys606Thr (NM_001330384.2, NM_001379292.1, NM_014299.3 and 1 more transcripts); short protein forms K606T.
Identifiers: ClinVar variation 2155129 (VCV002155129.4), dbSNP rs757820620, ClinGen allele CA9265259.

ClinVar aggregate classification (germline): Uncertain significance (1 of 4 stars; one submission).

Allele frequency attached by ClinVar (database versions not stated): ExAC 0.00001; gnomAD 0.00001; gnomAD exomes 0.00001; TOPMed 0.00001.
gnomAD v4.1: 5 of 1,613,732 alleles (0.00031%); highest among the groups gnomAD compares: Admixed American, 0.0083%; no homozygotes.

Submission:

Labcorp Genetics (formerly Invitae), Labcorp
Classification: Uncertain significance. Last evaluated: 2025-09-15. Review status: criteria provided, single submitter. Criteria: Invitae Variant Classification Sherloc (09022015). Collection method: clinical testing. Allele origin: germline.
Comment: This sequence change replaces lysine, which is basic and polar, with threonine, which is neutral and polar, at codon 606 of the BRD4 protein (p.Lys606Thr). This variant is present in population databases (rs757820620, gnomAD 0.01%). This variant has not been reported in the literature in individuals affected with BRD4-related conditions. ClinVar contains an entry for this variant (Variation ID: 2155129). Invitae Evidence Modeling of protein sequence and biophysical properties (such as structural, functional, and spatial information, amino acid conservation, physicochemical variation, residue mobility, and thermodynamic stability) indicates that this missense variant is not expected to disrupt BRD4 protein function with a negative predictive value of 80%. In summary, the available evidence is currently insufficient to determine the role of this variant in disease. Therefore, it has been classified as a Variant of Uncertain Significance.